The following is an entry in ClinVar:

ClinVar aggregate classification (germline): Uncertain significance (1 of 4 stars; one submission).

Conditions:
Marshall-Smith syndrome (MRSHSS). Identifiers: Orphanet 561, MedGen C0265211, MONDO:0011244, OMIM 602535.
Malan overgrowth syndrome (MALNS). Also called: MALAN SYNDROME; Sotos syndrome 2; NFIX-Related Malan Syndrome. Identifiers: Orphanet 420179, MedGen C3553660, MONDO:0013885, OMIM 614753.

Submission:

Labcorp Genetics (formerly Invitae), Labcorp
Classification: Uncertain significance for Malan overgrowth syndrome; Marshall-Smith syndrome. Last evaluated: 2025-03-01. Review status: criteria provided, single submitter. Criteria: Invitae Variant Classification Sherloc (09022015). Collection method: clinical testing. Allele origin: germline.
Comment: This sequence change replaces tyrosine, which is neutral and polar, with histidine, which is basic and polar, at codon 303 of the NFIX protein (p.Tyr303His). This variant is not present in population databases (gnomAD no frequency). This variant has not been reported in the literature in individuals affected with NFIX-related conditions. Experimental studies and prediction algorithms are not available or were not evaluated, and the functional significance of this variant is currently unknown. In summary, the available evidence is currently insufficient to determine the role of this variant in disease. Therefore, it has been classified as a Variant of Uncertain Significance.

NM_001365902.3(NFIX):c.883T>C (p.Tyr295His)

Gene: NFIX (nuclear factor I X; plus strand). Cytogenetic location: 19p13.13.
Variant type: single nucleotide variant.
Coding change: c.883T>C on transcript NM_001365902.3 (MANE Select); coding-DNA position 883, T replaced by C.
Protein change: p.Tyr295His; replaces tyrosine 295 with histidine.
Molecular consequence: missense variant.
Genome position (GRCh38, 1-based): chr19:13,075,599, T>C. VCF-style: chr19-13075599-T-C. GRCh37 (hg19) VCF-style: chr19-13186413-T-C.
Other names: c.907T>C, p.Tyr303His (NM_001271043.2); c.859T>C, p.Tyr287His (NM_001271044.3, NM_001378404.1); c.883T>C, p.Tyr295His (NM_001365982.2, NM_002501.4); c.742T>C, p.Tyr248His (NM_001365983.2); c.880T>C, p.Tyr294His (NM_001365984.2, NM_001365985.2); c.931T>C, p.Tyr311His (NM_001378405.1); short protein forms Y248H, Y287H, Y294H, Y295H, Y303H, Y311H.
Identifiers: ClinVar variation 3760338 (VCV003760338.2).
Genomic context (GRCh38, chr19:13,075,599, plus strand): 5'-ACCAAGCGCCCCAAGTCCATCGATGACAGTGAGATGGAGAGCCCTGTTGATGACGTGTTC[T>C]ATCCCGGGACAGGCCGTTCCCCAGCAGCTGGCAGCAGCCAGTCCAGCGGGTGGCCCAACG-3'
Protein context (NP_001352831.1, residues 285-305): EMESPVDDVF[Tyr295His]PGTGRSPAAG